The following is an entry in ClinVar:

NM_006929.5(SKIC2):c.498T>G (p.Asp166Glu)

Gene: SKIC2 (SKI2 subunit of superkiller complex; plus strand). Cytogenetic location: 6p21.33.
Variant type: single nucleotide variant.
Coding change: c.498T>G on transcript NM_006929.5 (MANE Select); coding-DNA position 498, T replaced by G.
Protein change: p.Asp166Glu; replaces aspartic acid 166 with glutamic acid.
Molecular consequence: missense variant.
Genome position (GRCh38, 1-based): chr6:31,960,694, T>G. VCF-style: chr6-31960694-T-G. GRCh37 (hg19) VCF-style: chr6-31928471-T-G.
Other names: short protein forms D166E.
Identifiers: ClinVar variation 3624521 (VCV003624521.2).

ClinVar aggregate classification (germline): Uncertain significance (1 of 4 stars; one submission).

gnomAD v4.1: 3 of 1,586,454 alleles (0.00019%); highest among the groups gnomAD compares: Non-Finnish European, 0.00026%; no homozygotes.

Submission:

Labcorp Genetics (formerly Invitae), Labcorp
Classification: Uncertain significance. Last evaluated: 2025-11-08. Review status: criteria provided, single submitter. Criteria: Invitae Variant Classification Sherloc (09022015). Collection method: clinical testing. Allele origin: germline.
Comment: This sequence change replaces aspartic acid, which is acidic and polar, with glutamic acid, which is acidic and polar, at codon 166 of the SKIV2L protein (p.Asp166Glu). This variant is not present in population databases (gnomAD no frequency). This variant has not been reported in the literature in individuals affected with SKIV2L-related conditions. ClinVar contains an entry for this variant (Variation ID: 3624521). An algorithm developed to predict the effect of missense changes on protein structure and function outputs the following: PolyPhen-2: "Benign". The glutamic acid amino acid residue is found in multiple mammalian species, which suggests that this missense change does not adversely affect protein function. In summary, the available evidence is currently insufficient to determine the role of this variant in disease. Therefore, it has been classified as a Variant of Uncertain Significance.